The following is an entry in ClinVar:

ClinVar aggregate classification (germline): Uncertain significance (1 of 4 stars; one submission).

Conditions:
Dyskeratosis congenita. Identifiers: Orphanet 1775, MedGen C0265965, MONDO:0015780.

Submission:

Ambry Genetics
Classification: Uncertain significance for Dyskeratosis congenita. Last evaluated: 2025-10-08. Review status: criteria provided, single submitter. Criteria: Ambry Variant Classification Scheme 2023. Collection method: clinical testing. Allele origin: germline.
Comment: The p.S274L variant (also known as c.821C>T), located in coding exon 2 of the TERT gene, results from a C to T substitution at nucleotide position 821. The serine at codon 274 is replaced by leucine, an amino acid with dissimilar properties. This amino acid position is poorly conserved in available vertebrate species. In addition, this alteration is predicted to be tolerated by in silico analysis. Based on the available evidence, the clinical significance of this variant remains unclear.

NM_198253.3(TERT):c.821C>T (p.Ser274Leu)

Gene: TERT (telomerase reverse transcriptase; minus strand). Cytogenetic location: 5p15.33.
Variant type: single nucleotide variant.
Coding change: c.821C>T on transcript NM_198253.3 (MANE Select); coding-DNA position 821, C replaced by T.
Protein change: p.Ser274Leu; replaces serine 274 with leucine.
Molecular consequence: missense variant. On other transcripts: non-coding transcript variant (2).
Genome position (GRCh38, 1-based): chr5:1,294,065, G>A on the plus strand (C>T on the coding strand, the complement: TERT is on the minus strand). VCF-style: chr5-1294065-G-A. GRCh37 (hg19) VCF-style: chr5-1294180-G-A.
Other names: c.821C>T, p.Ser274Leu (NM_001193376.3); short protein forms S274L.
Identifiers: ClinVar variation 4561602 (VCV004561602.1).